The following is an entry in ClinVar:

NM_016169.4(SUFU):c.731T>C (p.Ile244Thr)

Gene: SUFU (SUFU negative regulator of hedgehog signaling; plus strand). Cytogenetic location: 10q24.32.
Variant type: single nucleotide variant.
Coding change: c.731T>C on transcript NM_016169.4 (MANE Select); coding-DNA position 731, T replaced by C.
Protein change: p.Ile244Thr; replaces isoleucine 244 with threonine.
Molecular consequence: missense variant.
Genome position (GRCh38, 1-based): chr10:102,594,040, T>C. VCF-style: chr10-102594040-T-C. GRCh37 (hg19) VCF-style: chr10-104353797-T-C.
Other names: c.731T>C, p.Ile244Thr (NM_001178133.2); short protein forms I244T.
Identifiers: ClinVar variation 951513 (VCV000951513.11), dbSNP rs2063435042, ClinGen allele CA377909861.

ClinVar aggregate classification (germline): Uncertain significance. Review status: criteria provided, multiple submitters, no conflicts (2 of 4 stars). 2 submissions from 2 submitters: Uncertain significance (2). Last evaluated 2023-12-29.

Conditions:
Hereditary cancer-predisposing syndrome. Also called: Hereditary neoplastic syndrome; Tumor predisposition; Neoplastic Syndromes, Hereditary; Hereditary Cancer Syndrome. Identifiers: Orphanet 140162, MedGen C0027672, MeSH D009386, MONDO:0015356.
Gorlin syndrome. Also called: Basal cell nevus syndrome; Nevoid Basal Cell Carcinoma Syndrome. Identifiers: Orphanet 377, MedGen C0004779, MONDO:0007187.
Medulloblastoma (MDB). Also called: MEDULLOBLASTOMA PREDISPOSITION SYNDROME; Medulloblastoma, somatic. Identifiers: Orphanet 616, MedGen C0025149, MeSH D008527, MONDO:0007959, OMIM 155255, HP:0002885.

Submissions (2):

Ambry Genetics
Classification: Uncertain significance for Hereditary cancer-predisposing syndrome. Last evaluated: 2023-12-29. Review status: criteria provided, single submitter. Criteria: Ambry Variant Classification Scheme 2023. Collection method: clinical testing. Allele origin: germline.
Comment: The p.I244T variant (also known as c.731T>C), located in coding exon 6 of the SUFU gene, results from a T to C substitution at nucleotide position 731. The isoleucine at codon 244 is replaced by threonine, an amino acid with similar properties. This amino acid position is conserved. In addition, this alteration is predicted to be deleterious by in silico analysis. Since supporting evidence is limited at this time, the clinical significance of this alteration remains unclear.

Labcorp Genetics (formerly Invitae), Labcorp
Classification: Uncertain significance for Gorlin syndrome; Medulloblastoma. Last evaluated: 2021-12-25. Review status: criteria provided, single submitter. Criteria: Invitae Variant Classification Sherloc (09022015). Collection method: clinical testing. Allele origin: germline.
Comment: ClinVar contains an entry for this variant (Variation ID: 951513). Algorithms developed to predict the effect of missense changes on protein structure and function (SIFT, PolyPhen-2, Align-GVGD) all suggest that this variant is likely to be disruptive. In summary, the available evidence is currently insufficient to determine the role of this variant in disease. Therefore, it has been classified as a Variant of Uncertain Significance. This sequence change replaces isoleucine, which is neutral and non-polar, with threonine, which is neutral and polar, at codon 244 of the SUFU protein (p.Ile244Thr). This variant is not present in population databases (gnomAD no frequency). This variant has not been reported in the literature in individuals affected with SUFU-related conditions.